The following is an entry in ClinVar:

ClinVar aggregate classification (germline): Likely pathogenic (1 of 4 stars; one submission).

Submission:

Labcorp Genetics (formerly Invitae), Labcorp
Classification: Likely pathogenic. Last evaluated: 2022-06-04. Review status: criteria provided, single submitter. Criteria: Invitae Variant Classification Sherloc (09022015). Collection method: clinical testing. Allele origin: germline.
Comment: In summary, the currently available evidence indicates that the variant is pathogenic, but additional data are needed to prove that conclusively. Therefore, this variant has been classified as Likely Pathogenic. Algorithms developed to predict the effect of sequence changes on RNA splicing suggest that this variant may disrupt the consensus splice site. ClinVar contains an entry for this variant (Variation ID: 1065974). This variant has not been reported in the literature in individuals affected with SLC39A4-related conditions. This variant is not present in population databases (gnomAD no frequency). This sequence change affects an acceptor splice site in intron 10 of the SLC39A4 gene. It is expected to disrupt RNA splicing. Variants that disrupt the donor or acceptor splice site typically lead to a loss of protein function (PMID: 16199547), and loss-of-function variants in SLC39A4 are known to be pathogenic (PMID: 12955721).

Literature cited by the submitters: PubMed 16199547; PubMed 12955721.

NM_130849.4(SLC39A4):c.1628-2A>C

Gene: SLC39A4 (solute carrier family 39 member 4; minus strand). Cytogenetic location: 8q24.3.
Variant type: single nucleotide variant.
Coding change: c.1628-2A>C on transcript NM_130849.4 (MANE Select); the canonical splice acceptor site of the intron before coding-DNA position 1628, A replaced by C.
Molecular consequence: splice acceptor variant.
Genome position (GRCh38, 1-based): chr8:144,412,948, T>G on the plus strand (A>C on the coding strand, the complement: SLC39A4 is on the minus strand). VCF-style: chr8-144412948-T-G. GRCh37 (hg19) VCF-style: chr8-145638332-T-G.
Other names: c.1346-2A>C (NM_001374839.1); c.1553-2A>C (NM_017767.3); c.134-2A>C (NM_001280557.2).
Identifiers: ClinVar variation 1065974 (VCV001065974.5), dbSNP rs1033112015, ClinGen allele CA372618478.